The following is an entry in ClinVar:

ClinVar aggregate classification (germline): Uncertain significance (1 of 4 stars; one submission).

Conditions:
Inborn genetic diseases. Identifiers: MedGen C0950123, MeSH D030342.

Submission:

Ambry Genetics
Classification: Uncertain significance for Inborn genetic diseases. Last evaluated: 2026-08-31. Review status: criteria provided, single submitter. Criteria: Ambry Variant Classification Scheme 2023. Collection method: clinical testing. Allele origin: germline.
Comment: The p.K539E variant (also known as c.1615A>G), located in coding exon 13 of the BUB1B gene, results from an A to G substitution at nucleotide position 1615. The lysine at codon 539 is replaced by glutamic acid, an amino acid with similar properties. This amino acid position is conserved. In addition, this alteration is predicted to be tolerated by in silico analysis. Based on the available evidence, the clinical significance of this variant remains unclear.

NM_001211.6(BUB1B):c.1615A>G (p.Lys539Glu)

Gene: BUB1B (BUB1 mitotic checkpoint serine/threonine kinase B; plus strand). Cytogenetic location: 15q15.1.
Variant type: single nucleotide variant.
Coding change: c.1615A>G on transcript NM_001211.6 (MANE Select); coding-DNA position 1615, A replaced by G.
Protein change: p.Lys539Glu; replaces lysine 539 with glutamic acid.
Molecular consequence: missense variant.
Genome position (GRCh38, 1-based): chr15:40,202,452, A>G. VCF-style: chr15-40202452-A-G. GRCh37 (hg19) VCF-style: chr15-40494653-A-G.
Other names: short protein forms K539E.
Identifiers: ClinVar variation 5033544 (VCV005033544.1).